The following is an entry in ClinVar:

NM_005634.3(SOX3):c.1008G>A (p.Met336Ile)

Gene: SOX3 (SRY-box transcription factor 3; minus strand). Cytogenetic location: Xq27.1.
Variant type: single nucleotide variant.
Coding change: c.1008G>A on transcript NM_005634.3 (MANE Select); coding-DNA position 1008, G replaced by A.
Protein change: p.Met336Ile; replaces methionine 336 with isoleucine.
Molecular consequence: missense variant.
Genome position (GRCh38, 1-based): chrX:140,504,053, C>T on the plus strand (G>A on the coding strand, the complement: SOX3 is on the minus strand). VCF-style: chrX-140504053-C-T. GRCh37 (hg19) VCF-style: chrX-139586218-C-T.
Other names: short protein forms M336I.
Identifiers: ClinVar variation 2044067 (VCV002044067.4), dbSNP rs1319691356, ClinGen allele CA414477498.

ClinVar aggregate classification (germline): Uncertain significance. Review status: criteria provided, multiple submitters, no conflicts (2 of 4 stars). 2 submissions from 2 submitters: Uncertain significance (2). Last evaluated 2026-01-12.

Allele frequency attached by ClinVar (database versions not stated): gnomAD exomes 0.00004; gnomAD 0.00002; TOPMed 0.00005.

Submissions (2):

Labcorp Genetics (formerly Invitae), Labcorp
Classification: Uncertain significance. Last evaluated: 2026-01-12. Review status: criteria provided, single submitter. Criteria: Invitae Variant Classification Sherloc (09022015). Collection method: clinical testing. Allele origin: germline.
Comment: This sequence change replaces methionine, which is neutral and non-polar, with isoleucine, which is neutral and non-polar, at codon 336 of the SOX3 protein (p.Met336Ile). This variant is present in population databases (no rsID available, gnomAD 0.008%). This variant has not been reported in the literature in individuals affected with SOX3-related conditions. ClinVar contains an entry for this variant (Variation ID: 2044067). Invitae Evidence Modeling of protein sequence and biophysical properties (such as structural, functional, and spatial information, amino acid conservation, physicochemical variation, residue mobility, and thermodynamic stability) indicates that this missense variant is not expected to disrupt SOX3 protein function with a negative predictive value of 80%. In summary, the available evidence is currently insufficient to determine the role of this variant in disease. Therefore, it has been classified as a Variant of Uncertain Significance.

Ambry Genetics
Classification: Uncertain significance. Last evaluated: 2021-07-06. Review status: criteria provided, single submitter. Criteria: Ambry Variant Classification Scheme 2023. Collection method: clinical testing. Allele origin: germline.